The following is an entry in ClinVar:

ClinVar aggregate classification (germline): Conflicting classifications of pathogenicity. Review status: criteria provided, conflicting classifications (1 of 4 stars). 3 submissions from 3 submitters: Likely pathogenic (1); Uncertain significance (2). Last evaluated 2022-12-27.

Conditions:
EPHB4-related disorder. Also called: EPHB4-related disorders; EPHB4-related condition.
Capillary malformation-arteriovenous malformation 2 (CMAVM2). Identifiers: Orphanet 693912, MedGen C4748670, MONDO:0020785, OMIM 618196.

Submissions (3):

GeneDx
Classification: Uncertain significance. Last evaluated: 2022-12-27. Review status: criteria provided, single submitter. Criteria: GeneDx Variant Classification Process June 2021. Collection method: clinical testing. Allele origin: germline. Affected: yes.
Comment: Identified in a patient with capillary malformation with arteriovenous malformation, however detailed clinical and segregation information was not provided (Amyere et al.., 2017); Not observed at significant frequency in large population cohorts (gnomAD); In silico analysis supports that this missense variant has a deleterious effect on protein structure/function; This variant is associated with the following publications: (PMID: 28687708)

Blueprint Genetics
Classification: Likely pathogenic for EPHB4-related disorders. Last evaluated: 2020-09-30. Review status: criteria provided, single submitter. Criteria: ACMG Guidelines, 2015. Collection method: clinical testing. Allele origin: germline. Affected: yes. Observed: 2 variant alleles.

SIB Swiss Institute of Bioinformatics
Classification: Uncertain significance for Capillary malformation-arteriovenous malformation 2. Last evaluated: 2019-03-29. Review status: criteria provided, single submitter. Criteria: ACMG Guidelines, 2015. Collection method: curation. Allele origin: unknown.
Comment: This variant is interpreted as a Uncertain significance for Capillary malformation-arteriovenous malformation 2. The following ACMG Tag(s) were applied: PP3: Multiple lines of computational evidence support a deleterious effect on the gene or gene product. PM2: Absent from controls (or at extremely low frequency if recessive) in Exome Sequencing Project, 1000 Genomes Project, or Exome Aggregation Consortium. PM1: Located in a mutational hot spot and/or critical and well-established functional domain (e.g., active site of an enzyme) without benign variation-

Literature cited by the submitters: PubMed 28687708 (cited by SIB Swiss Institute of Bioinformatics).

NM_004444.5(EPHB4):c.2621T>C (p.Leu874Pro)

Genes: EPHB4 (EPH receptor B4; minus strand), LOC126860124 (CDK7 strongly-dependent group 2 enhancer GRCh37_chr7:100403701-100404900; plus strand). Cytogenetic location: 7q22.1.
Variant type: single nucleotide variant.
Coding change: c.2621T>C on transcript NM_004444.5 (MANE Select); coding-DNA position 2621, T replaced by C.
Protein change: p.Leu874Pro; replaces leucine 874 with proline.
Molecular consequence: missense variant.
Genome position (GRCh38, 1-based): chr7:100,805,558, A>G on the plus strand (T>C on the coding strand, the complement: EPHB4 is on the minus strand). VCF-style: chr7-100805558-A-G. GRCh37 (hg19) VCF-style: chr7-100403180-A-G.
Other names: c.2621T>C (NM_004444.4); short protein forms L874P.
Identifiers: ClinVar variation 691542 (VCV000691542.3), dbSNP rs1584652900, ClinGen allele CA368566882.